The following is an entry in ClinVar:

ClinVar aggregate classification (germline): Benign/Likely benign. Review status: criteria provided, multiple submitters, no conflicts (2 of 4 stars). 2 submissions from 2 submitters: Benign (1); Likely benign (1). Last evaluated 2026-06-01.

gnomAD v4.1: 10,055 of 1,105,050 alleles (0.91%); highest among the groups gnomAD compares: Non-Finnish European, 1.1%; 1,408 homozygotes.

Submissions (2):

CeGaT Center for Human Genetics Tuebingen
Classification: Benign. Last evaluated: 2026-06-01. Review status: criteria provided, single submitter. Criteria: CeGaT Center For Human Genetics Tuebingen Variant Classification Criteria Version 2. Collection method: clinical testing. Allele origin: germline. Affected: yes. Observed: 2 variant alleles.
Comment: CCDC40: BP4, BS1, BS2

Blueprint Genetics
Classification: Likely benign. Last evaluated: 2024-11-27. Review status: criteria provided, single submitter. Criteria: ACMG Guidelines, 2015. Collection method: clinical testing. Allele origin: germline.

NM_017950.4(CCDC40):c.2832+492A>G

Gene: CCDC40 (coiled-coil domain 40 molecular ruler complex subunit; plus strand). Cytogenetic location: 17q25.3.
Variant type: single nucleotide variant.
Coding change: c.2832+492A>G on transcript NM_017950.4 (MANE Select); 492 bases into the intron after coding-DNA position 2832, A replaced by G.
Molecular consequence: intron variant. On other transcripts: missense variant (1).
Genome position (GRCh38, 1-based): chr17:80,090,376, A>G. VCF-style: chr17-80090376-A-G. GRCh37 (hg19) VCF-style: chr17-78064175-A-G.
Other names: c.3070A>G, p.Arg1024Gly (NM_001243342.2); short protein forms R1024G.
Identifiers: ClinVar variation 3770583 (VCV003770583.14).